The following is an entry in ClinVar:

NM_000368.5(TSC1):c.1450dup (p.Arg484fs)

Gene: TSC1 (TSC complex subunit 1; minus strand). Cytogenetic location: 9q34.13.
Variant type: Duplication.
Coding change: c.1450dup on transcript NM_000368.5 (MANE Select); coding-DNA position 1450, one base duplicated (A; older notation c.1450dupA).
Protein change: p.Arg484fs; shifts the reading frame from arginine 484.
Molecular consequence: frameshift variant. On other transcripts: non-coding transcript variant (5).
Genome position (GRCh38, 1-based): chr9:132,906,128, T duplicated on the plus strand (A on the coding strand, the reverse complement: TSC1 is on the minus strand). VCF-style (leftmost placement, unchanged base first): chr9-132906127-C-CT. GRCh37 (hg19) VCF-style: chr9-135781514-C-CT.
Other names: c.1447dup, p.Arg483fs (NM_001162426.2, NM_001406597.1, NM_001406598.1 and 6 more transcripts); c.1297dup, p.Arg433fs (NM_001162427.2, NM_001406610.1); c.1087dup, p.Arg363fs (NM_001362177.2, NM_001406614.1, NM_001406615.1 and 5 more transcripts); c.1450dup, p.Arg484fs (NM_001406592.1, NM_001406593.1, NM_001406594.1 and 7 more transcripts); c.1294dup, p.Arg432fs (NM_001406611.1, NM_001406612.1, NM_001406613.1); c.1084dup, p.Arg362fs (NM_001406620.1, NM_001406621.1, NM_001406622.1 and 2 more transcripts); c.499dup, p.Arg167fs (NM_001406626.1); c.496dup, p.Arg166fs (NM_001406627.1, NM_001406628.1); and 1 more; short protein forms R133fs, R166fs, R167fs, R362fs, R363fs, R432fs, R433fs, R483fs.
Identifiers: ClinVar variation 3778560 (VCV003778560.7).

ClinVar aggregate classification (germline): Pathogenic (1 of 4 stars; one submission).

Submission:

CeGaT Center for Human Genetics Tuebingen
Classification: Pathogenic. Last evaluated: 2025-03-01. Review status: criteria provided, single submitter. Criteria: CeGaT Center For Human Genetics Tuebingen Variant Classification Criteria Version 2. Collection method: clinical testing. Allele origin: germline. Affected: yes. Observed: 1 variant allele.
Comment: TSC1: PVS1, PS2, PM2